The following is an entry in ClinVar:

ClinVar aggregate classification (germline): Conflicting classifications of pathogenicity. Review status: criteria provided, conflicting classifications (1 of 4 stars). 4 submissions from 4 submitters: Uncertain significance (1); Likely benign (2). 1 of the submissions does not count toward it. Last evaluated 2026-01-19.

Conditions:
IGF1R-related disorder. Also called: IGF1R-related condition.
Growth delay due to insulin-like growth factor I resistance. Also called: IGF-I RESISTANCE; Somatomedin end-organ insensitivity to; Somatomedin-c resistance to; IGF-1 resistance; Insulin-Like Growth Factor I Resistance. Identifiers: Orphanet 73273, MedGen C1849157, MONDO:0010038, OMIM 270450.

Allele frequency attached by ClinVar (database versions not stated): gnomAD 0.00005 and 0.00007; TOPMed 0.00006; ExAC 0.00008; gnomAD exomes 0.00010 and 0.00011; ESP Exome Variant Server 0.00015.
gnomAD v4.1: 154 of 1,614,076 alleles (0.0095%); highest among the groups gnomAD compares: Middle Eastern, 0.049%; no homozygotes.

Submissions (4):

Labcorp Genetics (formerly Invitae), Labcorp
Classification: Likely benign. Last evaluated: 2026-01-19. Review status: criteria provided, single submitter. Criteria: Invitae Variant Classification Sherloc (09022015). Collection method: clinical testing. Allele origin: germline.

Blueprint Genetics
Classification: Likely benign. Last evaluated: 2024-08-02. Review status: criteria provided, single submitter. Criteria: ACMG Guidelines, 2015. Collection method: clinical testing. Allele origin: germline.

Illumina Laboratory Services, Illumina
Classification: Uncertain significance for Growth delay due to insulin-like growth factor I resistance. Last evaluated: 2018-01-13. Review status: criteria provided, single submitter. Criteria: ICSL Variant Classification Criteria 13 December 2019. Collection method: clinical testing. Allele origin: germline.

PreventionGenetics, part of Exact Sciences
Classification: Likely benign for IGF1R-related condition. Last evaluated: 2019-05-02. Review status: no assertion criteria provided. Collection method: clinical testing. Allele origin: germline. Not counted in ClinVar's aggregate classification.
Comment: This variant is classified as likely benign based on ACMG/AMP sequence variant interpretation guidelines (Richards et al. 2015 PMID: 25741868, with internal and published modifications).

NM_000875.5(IGF1R):c.3108C>T (p.Asn1036=)

Gene: IGF1R (insulin like growth factor 1 receptor; plus strand). Cytogenetic location: 15q26.3.
Variant type: single nucleotide variant.
Coding change: c.3108C>T on transcript NM_000875.5 (MANE Select); coding-DNA position 3108, C replaced by T.
Protein change: p.Asn1036=; no amino-acid change (asparagine 1036 retained).
Molecular consequence: synonymous variant.
Genome position (GRCh38, 1-based): chr15:98,934,975, C>T. VCF-style: chr15-98934975-C-T. GRCh37 (hg19) VCF-style: chr15-99478204-C-T.
Other names: c.3105C>T, p.Asn1035= (NM_001291858.2).
Identifiers: ClinVar variation 736058 (VCV000736058.14), dbSNP rs377109735, ClinGen allele CA7752613.